The following is an entry in ClinVar:

NM_000812.4(GABRB1):c.127A>G (p.Arg43Gly)

Gene: GABRB1 (gamma-aminobutyric acid type A receptor subunit beta1; plus strand). Cytogenetic location: 4p12.
Variant type: single nucleotide variant.
Coding change: c.127A>G on transcript NM_000812.4 (MANE Select); coding-DNA position 127, A replaced by G.
Protein change: p.Arg43Gly; replaces arginine 43 with glycine.
Molecular consequence: missense variant.
Genome position (GRCh38, 1-based): chr4:47,031,960, A>G. VCF-style: chr4-47031960-A-G. GRCh37 (hg19) VCF-style: chr4-47033977-A-G.
Other names: short protein forms R43G.
Identifiers: ClinVar variation 2812993 (VCV002812993.3), dbSNP rs2475083763, ClinGen allele CA356805403.

ClinVar aggregate classification (germline): Uncertain significance (1 of 4 stars; one submission).

Allele frequency attached by ClinVar (database versions not stated): gnomAD exomes below 0.00001.
gnomAD v4.1: 1 of 1,613,898 alleles (0.000062%); highest among the groups gnomAD compares: Non-Finnish European, 0.000085%; no homozygotes.

Submission:

Labcorp Genetics (formerly Invitae), Labcorp
Classification: Uncertain significance. Last evaluated: 2022-11-08. Review status: criteria provided, single submitter. Criteria: Invitae Variant Classification Sherloc (09022015). Collection method: clinical testing. Allele origin: germline.
Comment: In summary, the available evidence is currently insufficient to determine the role of this variant in disease. Therefore, it has been classified as a Variant of Uncertain Significance. Advanced modeling of protein sequence and biophysical properties (such as structural, functional, and spatial information, amino acid conservation, physicochemical variation, residue mobility, and thermodynamic stability) performed at Invitae indicates that this missense variant is not expected to disrupt GABRB1 protein function. This variant has not been reported in the literature in individuals affected with GABRB1-related conditions. This variant is not present in population databases (gnomAD no frequency). This sequence change replaces arginine, which is basic and polar, with glycine, which is neutral and non-polar, at codon 43 of the GABRB1 protein (p.Arg43Gly).